The following is an entry in ClinVar:

NM_002087.4(GRN):c.138+2T>C

Gene: GRN (granulin precursor; plus strand). Cytogenetic location: 17q21.31.
Variant type: single nucleotide variant.
Coding change: c.138+2T>C on transcript NM_002087.4 (MANE Select); the canonical splice donor site of the intron after coding-DNA position 138, T replaced by C.
Molecular consequence: splice donor variant.
Genome position (GRCh38, 1-based): chr17:44,349,304, T>C. VCF-style: chr17-44349304-T-C. GRCh37 (hg19) VCF-style: chr17-42426672-T-C.
Identifiers: ClinVar variation 3242000 (VCV003242000.1), dbSNP rs2510054336.

ClinVar aggregate classification (germline): Likely pathogenic (1 of 4 stars; one submission).

Conditions:
GRN-related frontotemporal lobar degeneration with Tdp43 inclusions (FTD2). Also called: DEMENTIA, HEREDITARY DYSPHASIC DISINHIBITION; FRONTOTEMPORAL LOBAR DEGENERATION WITH UBIQUITIN-POSITIVE INCLUSIONS; FTLD-TDP, GRN-RELATED; GRN Frontotemporal Dementia; FRONTOTEMPORAL DEMENTIA WITH TDP43 INCLUSIONS, GRN-RELATED. Identifiers: Orphanet 100070, Orphanet 282, MedGen C1843792, MONDO:0011842, OMIM 607485. Disease mechanism: loss of function.

Submission:

Neuberg Centre For Genomic Medicine, NCGM
Classification: Likely pathogenic for GRN-related frontotemporal lobar degeneration with Tdp43 inclusions. Review status: criteria provided, single submitter. Criteria: ACMG Guidelines, 2015. Collection method: clinical testing. Allele origin: germline. Inheritance: Autosomal dominant inheritance. Affected: yes.
Comment: The observed splice donor variant c.138+2T>C in GRN gene has not been reported previously as a pathogenic variant nor as a benign variant, to our knowledge. The c.138+2T>C variant is absent in gnomAD Exomes.The variant affects the GT donor splice site downstream of exon 2. This variant is predicted to be damaging by SpliceAI Prediction. This variant is predicted to cause loss of normal protein function through protein truncation. Loss of function variants have been previously reported to be disease causing (Smith KR, et al., 2012). For these reasons, this variant has been classified as Likely Pathogenic.